The following is an entry in ClinVar:

ClinVar aggregate classification (germline): Uncertain significance (1 of 4 stars; one submission).

Conditions:
Joubert syndrome. Also called: JOUBERT-BOLTSHAUSER SYNDROME; Familial aplasia of the vermis. Identifiers: Orphanet 475, MedGen C5979921, MONDO:0018772.
Meckel-Gruber syndrome. Also called: DYSENCEPHALIA SPLANCHNOCYSTICA; GRUBER SYNDROME; Dysencephalia splachnocystica. Identifiers: Orphanet 564, MedGen C0265215, MONDO:0018921.

Submission:

Labcorp Genetics (formerly Invitae), Labcorp
Classification: Uncertain significance for Joubert syndrome; Meckel-Gruber syndrome. Last evaluated: 2021-10-16. Review status: criteria provided, single submitter. Criteria: Invitae Variant Classification Sherloc (09022015). Collection method: clinical testing. Allele origin: germline.
Comment: This sequence change replaces aspartic acid with glutamic acid at codon 1149 of the CC2D2A protein (p.Asp1149Glu). The aspartic acid residue is highly conserved and there is a small physicochemical difference between aspartic acid and glutamic acid. In summary, the available evidence is currently insufficient to determine the role of this variant in disease. Therefore, it has been classified as a Variant of Uncertain Significance. Advanced modeling of protein sequence and biophysical properties (such as structural, functional, and spatial information, amino acid conservation, physicochemical variation, residue mobility, and thermodynamic stability) performed at Invitae indicates that this missense variant is expected to disrupt CC2D2A protein function. This variant has not been reported in the literature in individuals affected with CC2D2A-related conditions. This variant is not present in population databases (ExAC no frequency).

NM_001378615.1(CC2D2A):c.3447T>A (p.Asp1149Glu)

Genes: CC2D2A (coiled-coil and C2 domain containing 2A; plus strand), FBXL5 (F-box and leucine rich repeat protein 5; minus strand). Cytogenetic location: 4p15.32.
Variant type: single nucleotide variant.
Coding change: c.3447T>A on transcript NM_001378615.1 (MANE Select); coding-DNA position 3447, T replaced by A.
Protein change: p.Asp1149Glu; replaces aspartic acid 1149 with glutamic acid.
Molecular consequence: missense variant.
Genome position (GRCh38, 1-based): chr4:15,569,341, T>A. VCF-style: chr4-15569341-T-A. GRCh37 (hg19) VCF-style: chr4-15570964-T-A.
Other names: c.3447T>A, p.Asp1149Glu (NM_001080522.2); c.3300T>A, p.Asp1100Glu (NM_001378617.1); short protein forms D1149E, D1100E.
Identifiers: ClinVar variation 1375995 (VCV001375995.6), dbSNP rs772795748, ClinGen allele CA356420115.